The following is an entry in ClinVar:

NM_001458.5(FLNC):c.823C>G (p.Pro275Ala)

Gene: FLNC (filamin C; plus strand). Cytogenetic location: 7q32.1.
Variant type: single nucleotide variant.
Coding change: c.823C>G on transcript NM_001458.5 (MANE Select); coding-DNA position 823, C replaced by G.
Protein change: p.Pro275Ala; replaces proline 275 with alanine.
Molecular consequence: missense variant.
Genome position (GRCh38, 1-based): chr7:128,837,521, C>G. VCF-style: chr7-128837521-C-G. GRCh37 (hg19) VCF-style: chr7-128477575-C-G.
Other names: c.823C>G, p.Pro275Ala (NM_001127487.2); short protein forms P275A.
Identifiers: ClinVar variation 3221758 (VCV003221758.1), dbSNP rs953269055, ClinGen allele CA166214377.

ClinVar aggregate classification (germline): Uncertain significance (1 of 4 stars; one submission).

Conditions:
Cardiovascular phenotype. Identifiers: MedGen CN230736.

Submission:

Ambry Genetics
Classification: Uncertain significance for Cardiovascular phenotype. Last evaluated: 2023-11-09. Review status: criteria provided, single submitter. Criteria: Ambry Variant Classification Scheme 2023. Collection method: clinical testing. Allele origin: germline.
Comment: The p.P275A variant (also known as c.823C>G), located in coding exon 4 of the FLNC gene, results from a C to G substitution at nucleotide position 823. The proline at codon 275 is replaced by alanine, an amino acid with highly similar properties. This amino acid position is conserved. In addition, the in silico prediction for this alteration is inconclusive. Since supporting evidence is limited at this time, the clinical significance of this alteration remains unclear.